The following is an entry in ClinVar:

ClinVar aggregate classification (germline): Pathogenic. Review status: criteria provided, multiple submitters, no conflicts (2 of 4 stars). 4 submissions from 4 submitters: Pathogenic (3). 1 of the submissions does not count toward it. Last evaluated 2025-06-04.

Conditions:
Angelman syndrome (AS). Also called: HAPPY PUPPET SYNDROME. Identifiers: Orphanet 72, MedGen C0162635, MONDO:0007113, OMIM 105830. Disease mechanism: loss of function. Inheritance: imprinting disorder, AS is caused by disruption of maternally imprinted UBE3A located within the 15q11.2-q13 Angelman syndrome/Prader-Willi syndrome (AS/PWS) region..

Submissions (4):

Labcorp Genetics (formerly Invitae), Labcorp
Classification: Pathogenic for Angelman syndrome. Last evaluated: 2025-06-04. Review status: criteria provided, single submitter. Criteria: Invitae Variant Classification Sherloc (09022015). Collection method: clinical testing. Allele origin: germline.
Comment: This sequence change creates a premature translational stop signal (p.Arg417*) in the UBE3A gene. It is expected to result in an absent or disrupted protein product. Loss-of-function variants in UBE3A are known to be pathogenic (PMID: 25212744). This variant is not present in population databases (gnomAD no frequency). This premature translational stop signal has been observed in individual(s) with Angelman syndrome (PMID: 8988172). ClinVar contains an entry for this variant (Variation ID: 7966). For these reasons, this variant has been classified as Pathogenic.

Cytogénomique, Hospices Civils de Lyon
Classification: Pathogenic for Angelman syndrome. Last evaluated: 2016-12-05. Review status: criteria provided, single submitter. Criteria: ACMG Guidelines, 2015. Collection method: clinical testing. Allele origin: de novo. Inheritance: Autosomal dominant inheritance. Affected: yes.

Rady Children's Institute for Genomic Medicine, Rady Children's Hospital San Diego
Classification: Pathogenic for ANGELMAN SYNDROME. Review status: criteria provided, single submitter. Criteria: ACMG Guidelines, 2015. Collection method: clinical testing. Allele origin: germline. Affected: yes.
Comment: This variant is also referred to as c.1249C>T (p.Arg417Ter) in the literature. This nonsense variant found in exon 4 of 11 is predicted to result in loss of normal protein function through either protein truncation or nonsense-mediated mRNA decay (NMD). This variant has been previously reported as a de novo change in a patient with Angelman syndrome (PMID: 8988172). Loss-of-function splicing variation in UBE3A is an established mechanism of disease (PMID: 20301323). This variant results in loss of a TaqI restriction enzyme site (PMID: 8988172). The c.1318C>T (p.Arg440Ter) variant is absent from the gnomAD population database and thus is presumed to be rare. Analysis of the parental samples was negative for the variant, indicating this variant likely occurred as a de novo event. Based on the available evidence, the c.1318C>T (p.Arg440Ter) variant is classified as Pathogenic.

OMIM
Classification: Pathogenic for ANGELMAN SYNDROME. Last evaluated: 1997-01-01. Review status: no assertion criteria provided. Collection method: literature only. Allele origin: germline. Not counted in ClinVar's aggregate classification.

Literature cited by the submitters: PubMed 25212744 (cited by Labcorp Genetics (formerly Invitae), Labcorp); PubMed 8988172 (cited by Labcorp Genetics (formerly Invitae), Labcorp and OMIM).

NM_130839.5(UBE3A):c.1309C>T (p.Arg437Ter)

Genes: SNHG14 (small nucleolar RNA host gene 14; plus strand), UBE3A (ubiquitin protein ligase E3A; minus strand). Cytogenetic location: 15q11.2.
Variant type: single nucleotide variant.
Coding change: c.1309C>T on transcript NM_130839.5 (MANE Select); coding-DNA position 1309, C replaced by T.
Protein change: p.Arg437Ter; replaces arginine 437 with a stop codon.
Molecular consequence: nonsense. On other transcripts: non-coding transcript variant (1), intron variant (2).
Genome position (GRCh38, 1-based): chr15:25,370,865, G>A on the plus strand (C>T on the coding strand, the complement: UBE3A is on the minus strand). VCF-style: chr15-25370865-G-A. GRCh37 (hg19) VCF-style: chr15-25616012-G-A.
Other names: c.1318C>T, p.Arg440Ter (NM_000462.5); c.1309C>T, p.Arg437Ter (NM_001354505.1, NM_001354538.2, NM_001354545.2); c.1249C>T, p.Arg417Ter (NM_001354506.2, NM_001354507.2, NM_001354508.2 and 17 more transcripts); c.1132C>T, p.Arg378Ter (NM_001354546.2); c.301+4600C>T (NM_001354551.2); c.361+4600C>T (NM_001354550.2); short protein forms R417*, R440*, R378*, R437*.
Identifiers: ClinVar variation 7966 (VCV000007966.8), dbSNP rs111033594, ClinGen allele CA325619.